The following is an entry in ClinVar:

ClinVar aggregate classification (germline): Conflicting classifications of pathogenicity. Review status: criteria provided, conflicting classifications (1 of 4 stars). 2 submissions from 2 submitters: Likely pathogenic (1); Uncertain significance (1). Last evaluated 2026-05-06.

Conditions:
Cardiovascular phenotype. Identifiers: MedGen CN230736.
Distal myopathy with posterior leg and anterior hand involvement. Also called: WILLIAMS DISTAL MYOPATHY. Identifiers: Orphanet 63273, MedGen C3279722, MONDO:0013550, OMIM 614065.
Myofibrillar myopathy 5. Also called: Filaminopathy (type); FILAMINOPATHY, AUTOSOMAL DOMINANT. Identifiers: Orphanet 171445, MedGen C1836050, MONDO:0012289, OMIM 609524.
Hypertrophic cardiomyopathy 26. Also called: Cardiomyopathy, familial hypertrophic, 26. Identifiers: Orphanet 75249, MedGen C4310749, MONDO:0014883, OMIM 617047.

Submissions (2):

Ambry Genetics
Classification: Uncertain significance for Cardiovascular phenotype. Last evaluated: 2026-05-06. Review status: criteria provided, single submitter. Criteria: Ambry Variant Classification Scheme 2023. Collection method: clinical testing. Allele origin: germline.
Comment: The c.5843-2A>G intronic variant results from an A to G substitution two nucleotides upstream from coding exon 36 in the FLNC gene. Variants that disrupt the canonical splice site are expected to result in aberrant splicing. In silico splice site analysis predicts that this alteration will weaken the native splice acceptor site and will result in the creation or strengthening of a novel splice acceptor site. A resulting transcript is predicted to be in-frame and is not expected to trigger nonsense-mediated mRNAdecay; although, direct evidence is unavailable. This nucleotide position is highly conserved in available vertebrate species. Based on the available evidence, the clinical significance of this variant remains unclear.

Labcorp Genetics (formerly Invitae), Labcorp
Classification: Likely pathogenic for Distal myopathy with posterior leg and anterior hand involvement; Myofibrillar myopathy 5; Hypertrophic cardiomyopathy 26. Last evaluated: 2024-06-11. Review status: criteria provided, single submitter. Criteria: Invitae Variant Classification Sherloc (09022015). Collection method: clinical testing. Allele origin: germline.
Comment: This sequence change affects an acceptor splice site in intron 35 of the FLNC gene. It is expected to disrupt RNA splicing. Variants that disrupt the donor or acceptor splice site typically lead to a loss of protein function (PMID: 16199547), and loss-of-function variants in FLNC are known to be pathogenic (PMID: 27908349). This variant is not present in population databases (gnomAD no frequency). This variant has not been reported in the literature in individuals affected with FLNC-related conditions. ClinVar contains an entry for this variant (Variation ID: 844023). Algorithms developed to predict the effect of sequence changes on RNA splicing suggest that this variant may disrupt the consensus splice site. In summary, the currently available evidence indicates that the variant is pathogenic, but additional data are needed to prove that conclusively. Therefore, this variant has been classified as Likely Pathogenic.

Literature cited by the submitters: PubMed 16199547 (cited by Labcorp Genetics (formerly Invitae), Labcorp); PubMed 27908349 (cited by Labcorp Genetics (formerly Invitae), Labcorp).

NM_001458.5(FLNC):c.5843-2A>G

Genes: FLNC (filamin C; plus strand), FLNC-AS1 (FLNC antisense RNA 1; minus strand). Cytogenetic location: 7q32.1.
Variant type: single nucleotide variant.
Coding change: c.5843-2A>G on transcript NM_001458.5 (MANE Select); the canonical splice acceptor site of the intron before coding-DNA position 5843, A replaced by G.
Molecular consequence: splice acceptor variant.
Genome position (GRCh38, 1-based): chr7:128,852,589, A>G. VCF-style: chr7-128852589-A-G. GRCh37 (hg19) VCF-style: chr7-128492643-A-G.
Other names: c.5744-2A>G (NM_001127487.2).
Identifiers: ClinVar variation 844023 (VCV000844023.11), dbSNP rs1808866340, ClinGen allele CA369208806.